The following is an entry in ClinVar:

ClinVar aggregate classification (germline): Pathogenic. Review status: criteria provided, single submitter (1 of 4 stars). 2 submissions from 2 submitters: Pathogenic (1). 1 of the submissions does not count toward it. Last evaluated 2021-07-06.

Conditions:
GATA2 deficiency with susceptibility to MDS/AML. Identifiers: MedGen CN300066, MONDO:0042982.
Deafness-lymphedema-leukemia syndrome. Also called: Lymphedema, primary, with myelodysplasia; Emberger syndrome. Identifiers: Orphanet 3226, MedGen C3279664, MONDO:0013540, OMIM 614038.
Myelodysplastic syndrome (MDS). Also called: MYELODYSPLASTIC SYNDROME, SUSCEPTIBILITY TO; Myelodysplastic syndrome, somatic; Myelodysplastic syndromes. Identifiers: Orphanet 52688, MedGen C3463824, MeSH D009190, MONDO:0018881, OMIM 614286.

Submissions (2):

Molecular Pathology Research Laboratory, SA Pathology
Classification: Pathogenic for GATA2 deficiency with susceptibility to MDS/AML; Deafness-lymphedema-leukemia syndrome. Last evaluated: 2021-07-06. Review status: criteria provided, single submitter. Criteria: ACMG Guidelines, 2015. Collection method: curation. Allele origin: germline. Inheritance: Autosomal dominant inheritance. Affected: yes. Observed: 2 variant alleles.
Comment: PS3, PS4_Moderate, PM2, PM4

OMIM
Classification: risk factor for MYELODYSPLASTIC SYNDROME, SUSCEPTIBILITY TO. Last evaluated: 2011-09-04. Review status: no assertion criteria provided. Collection method: literature only. Allele origin: germline. Not counted in ClinVar's aggregate classification.

Literature cited by the submitters: PubMed 21892162 (cited by Molecular Pathology Research Laboratory, SA Pathology and OMIM).

NM_032638.5(GATA2):c.1065_1067del (p.Thr358del)

Gene: GATA2 (GATA binding protein 2; minus strand). Cytogenetic location: 3q21.3.
Variant type: Deletion.
Coding change: c.1065_1067del on transcript NM_032638.5 (MANE Select); coding-DNA positions 1065 to 1067, 3 bases deleted (AAC; older notation c.1065_1067delAAC).
Protein change: p.Thr358del; deletes threonine 358.
Molecular consequence: inframe deletion.
Genome position (GRCh38, 1-based): chr3:128,481,895-128,481,897, GTT deleted on the plus strand (AAC on the coding strand, the reverse complement: GATA2 is on the minus strand); deleting any 3 consecutive bases within chr3:128,481,895-128,481,899 gives the same sequence; the c. name uses the placement nearest the transcript's 3' end. VCF-style (leftmost placement, unchanged base first): chr3-128481894-GGTT-G. GRCh37 (hg19) VCF-style: chr3-128200737-GGTT-G.
Other names: c.1065_1067delAAC (NM_032638.4); c.1065_1067del, p.Thr358del (NM_001145661.2); c.1023_1025del, p.Thr344del (NM_001145662.1); short protein forms T344del, T358del.
Identifiers: ClinVar variation 29722 (VCV000029722.2), dbSNP rs1576745225, ClinGen allele CA658820609.